The following is an entry in ClinVar:

NM_033380.3(COL4A5):c.972dup (p.Gly325fs)

Gene: COL4A5 (collagen type IV alpha 5 chain; plus strand). Cytogenetic location: Xq22.3.
Variant type: Duplication.
Coding change: c.972dup on transcript NM_033380.3 (MANE Select); coding-DNA position 972, one base duplicated (C; older notation c.972dupC).
Protein change: p.Gly325fs; shifts the reading frame from glycine 325.
Molecular consequence: frameshift variant.
Genome position (GRCh38, 1-based): chrX:108,582,919, C duplicated; the last of 3 consecutive C bases (chrX:108,582,917-108,582,919); duplicating any one gives the same sequence. VCF-style (leftmost placement, unchanged base first): chrX-108582916-A-AC. GRCh37 (hg19) VCF-style: chrX-107826146-A-AC.
Other names: c.972dup, p.Gly325fs (NM_000495.5); short protein forms G325fs.
Identifiers: ClinVar variation 5011845 (VCV005011845.1).

ClinVar aggregate classification (germline): Pathogenic (1 of 4 stars; one submission).

Conditions:
X-linked Alport syndrome (ATS1). Also called: NEPHROPATHY AND DEAFNESS, X-LINKED; COL4A5-Related Nephropathy. Identifiers: Orphanet 63, Orphanet 88917, MedGen C4746986, MONDO:0010520, OMIM 301050.

Submission:

Myriad Genetics, Inc.
Classification: Pathogenic for X-linked Alport syndrome. Last evaluated: 2023-09-27. Review status: criteria provided, single submitter. Criteria: Myriad Autosomal Dominant, Autosomal Recessive and X-Linked Classification Criteria (2023). Collection method: clinical testing. Allele origin: unknown.
Comment: NM_000495.4(COL4A5):c.972dupC(G325Rfs*5) is expected to be pathogenic in the context of X-linked Alport syndrome. This variant is predicted to lead to an abnormal or absent protein product due to the creation of a premature termination codon in COL4A5, a gene where loss-of-function variants are known to be pathogenic. Please note: this variant was assessed in the context of healthy population screening.